The following is an entry in ClinVar:

ClinVar aggregate classification (germline): Uncertain significance (1 of 4 stars; one submission).

Submission:

GeneDx
Classification: Uncertain significance. Last evaluated: 2021-06-22. Review status: criteria provided, single submitter. Criteria: GeneDx Variant Classification Process June 2021. Collection method: clinical testing. Allele origin: germline. Affected: yes.
Comment: Has not been previously published as pathogenic or benign to our knowledge; Canonical splice site variant predicted to result in a null allele in a gene for which loss-of-function is a known mechanism of disease; This variant is associated with the following publications: (PMID: 27535533)

NM_012123.4(MTO1):c.1260+258del

Gene: MTO1 (mitochondrial tRNA translation optimization 1; plus strand). Cytogenetic location: 6q13.
Variant type: Deletion.
Coding change: c.1260+258del on transcript NM_012123.4 (MANE Select); 258 bases into the intron after coding-DNA position 1260, one base deleted (C; older notation c.1260+258delC).
Molecular consequence: intron variant. On other transcripts: frameshift variant (1).
Genome position (GRCh38, 1-based): chr6:73,481,063, C deleted; the last of 2 consecutive C bases (chr6:73,481,062-73,481,063); deleting either gives the same sequence. VCF-style (leftmost placement, unchanged base first): chr6-73481061-TC-T. GRCh37 (hg19) VCF-style: chr6-74190784-TC-T.
Other names: c.1327del, p.Leu443fs (NM_001123226.2); c.1335+258del (NM_133645.3); short protein forms L443fs.
Identifiers: ClinVar variation 1214290 (VCV001214290.3), dbSNP rs747635777, ClinGen allele CA140962164.